The following is an entry in ClinVar:

NM_001290321.3(DMXL1):c.6174A>G (p.Gln2058=)

Gene: DMXL1 (Dmx like 1; plus strand). Cytogenetic location: 5q23.1.
Variant type: single nucleotide variant.
Coding change: c.6174A>G on transcript NM_001290321.3 (MANE Select); coding-DNA position 6174, A replaced by G.
Protein change: p.Gln2058=; no amino-acid change (glutamine 2058 retained).
Molecular consequence: synonymous variant. On other transcripts: non-coding transcript variant (3).
Genome position (GRCh38, 1-based): chr5:119,170,965, A>G. VCF-style: chr5-119170965-A-G. GRCh37 (hg19) VCF-style: chr5-118506660-A-G.
Other names: c.6174A>G, p.Gln2058= (NM_001349239.2, NM_001349240.2, NM_001387933.1 and 2 more transcripts); c.5469A>G, p.Gln1823= (NM_001387937.1); c.5187A>G, p.Gln1729= (NM_001387938.1).
Identifiers: ClinVar variation 3049588 (VCV003049588.2), dbSNP rs116143127, ClinGen allele CA3380511.
Genomic context (GRCh38, chr5:119,170,965, plus strand): 5'-AGTAGAACTTCGTACTTTATCTACTGGCTATGAAATAGATGGTGGAAAATTGCGTTACCA[A>G]CTATACCACTGGCTTGAAAAAGAGGTGATAGCTCTTCAGAGGACTTGTGACTTTTGCTCA-3'
Protein context (NP_001277250.1, residues 2048-2068): YEIDGGKLRY[Gln2058=]LYHWLEKEVI

ClinVar aggregate classification (germline): Benign (0 of 4 stars; one submission).

Conditions:
DMXL1-related disorder. Also called: DMXL1-related condition.

Allele frequency attached by ClinVar (database versions not stated): ExAC 0.00078; 1000 Genomes Project 0.00260; gnomAD 0.00310; 1000 Genomes Project 30x 0.00312; ESP Exome Variant Server 0.00338; TOPMed 0.00348.
gnomAD v4.1: 976 of 1,613,820 alleles (0.06%); highest among the groups gnomAD compares: African/African-American, 1.1%; 7 homozygotes.

Submission:

PreventionGenetics, part of Exact Sciences
Classification: Benign for DMXL1-related condition. Last evaluated: 2019-12-09. Review status: no assertion criteria provided. Collection method: clinical testing. Allele origin: germline.
Comment: This variant is classified as benign based on ACMG/AMP sequence variant interpretation guidelines (Richards et al. 2015 PMID: 25741868, with internal and published modifications).